The following is an entry in ClinVar:

ClinVar aggregate classification (germline): Uncertain significance. Review status: criteria provided, multiple submitters, no conflicts (2 of 4 stars). 2 submissions from 2 submitters: Uncertain significance (2). Last evaluated 2026-08-31.

Conditions:
Idiopathic Pulmonary Fibrosis. Also called: idiopathic fibrosing alveolitis; Idiopathic fibrosing alveolitis, chronic form. Identifiers: Orphanet 2032, MedGen C1800706, MeSH D054990, MONDO:0800504.
Dyskeratosis congenita, autosomal dominant 2. Identifiers: MedGen C3151443, MONDO:0013521, OMIM 613989.
Dyskeratosis congenita. Identifiers: Orphanet 1775, MedGen C0265965, MONDO:0015780.

Allele frequency attached by ClinVar (database versions not stated): TOPMed below 0.00001.

Submissions (2):

Ambry Genetics
Classification: Uncertain significance for Dyskeratosis congenita. Last evaluated: 2026-08-31. Review status: criteria provided, single submitter. Criteria: Ambry Variant Classification Scheme 2023. Collection method: clinical testing. Allele origin: germline.
Comment: The p.L1017P variant (also known as c.3050T>C), located in coding exon 14 of the TERT gene, results from a T to C substitution at nucleotide position 3050. The leucine at codon 1017 is replaced by proline, an amino acid with similar properties. This amino acid position is conserved. In addition, this alteration is predicted to be deleterious by in silico analysis. Based on the available evidence, the clinical significance of this variant remains unclear.

Labcorp Genetics (formerly Invitae), Labcorp
Classification: Uncertain significance for Dyskeratosis congenita, autosomal dominant 2; Idiopathic Pulmonary Fibrosis. Last evaluated: 2022-04-07. Review status: criteria provided, single submitter. Criteria: Invitae Variant Classification Sherloc (09022015). Collection method: clinical testing. Allele origin: germline.
Comment: In summary, the available evidence is currently insufficient to determine the role of this variant in disease. Therefore, it has been classified as a Variant of Uncertain Significance. Advanced modeling of protein sequence and biophysical properties (such as structural, functional, and spatial information, amino acid conservation, physicochemical variation, residue mobility, and thermodynamic stability) performed at Invitae indicates that this missense variant is expected to disrupt TERT protein function. This variant has not been reported in the literature in individuals affected with TERT-related conditions. This variant is not present in population databases (gnomAD no frequency). This sequence change replaces leucine, which is neutral and non-polar, with proline, which is neutral and non-polar, at codon 1017 of the TERT protein (p.Leu1017Pro).

NM_198253.3(TERT):c.3050T>C (p.Leu1017Pro)

Gene: TERT (telomerase reverse transcriptase; minus strand). Cytogenetic location: 5p15.33.
Variant type: single nucleotide variant.
Coding change: c.3050T>C on transcript NM_198253.3 (MANE Select); coding-DNA position 3050, T replaced by C.
Protein change: p.Leu1017Pro; replaces leucine 1017 with proline.
Molecular consequence: missense variant. On other transcripts: non-coding transcript variant (2).
Genome position (GRCh38, 1-based): chr5:1,255,394, A>G on the plus strand (T>C on the coding strand, the complement: TERT is on the minus strand). VCF-style: chr5-1255394-A-G. GRCh37 (hg19) VCF-style: chr5-1255509-A-G.
Other names: c.2861T>C, p.Leu954Pro (NM_001193376.3); c.3050T>C, p.Leu1017Pro (NM_003219.1); short protein forms L954P, L1017P.
Identifiers: ClinVar variation 2122423 (VCV002122423.5), dbSNP rs1747649135, ClinGen allele CA359068340.
Genomic context (GRCh38, chr5:1,255,394, plus strand): 5'-GAGATGACGCGCAGGAAAAATGTGGGGTTCTTCCAAACTTGCTGATGAAATGGGAGCTGC[A>G]GCACACATGCGTGAAACCTGAGAGGATGGCGGACAGCGTCAGAGGAAAGGCCTCCTAATC-3'
Protein context (NP_937983.2, residues 1007-1027): LQAYRFHACV[Leu1017Pro]QLPFHQQVWK